The following is an entry in ClinVar:

NM_024642.5(GALNT12):c.895C>T (p.Gln299Ter)

Gene: GALNT12 (polypeptide N-acetylgalactosaminyltransferase 12; plus strand). Cytogenetic location: 9q22.33.
Variant type: single nucleotide variant.
Coding change: c.895C>T on transcript NM_024642.5 (MANE Select); coding-DNA position 895, C replaced by T.
Protein change: p.Gln299Ter; replaces glutamine 299 with a stop codon.
Molecular consequence: nonsense.
Genome position (GRCh38, 1-based): chr9:98,831,935, C>T. VCF-style: chr9-98831935-C-T. GRCh37 (hg19) VCF-style: chr9-101594217-C-T.
Other names: short protein forms Q299*.
Identifiers: ClinVar variation 822841 (VCV000822841.12), dbSNP rs145557511, ClinGen allele CA5154089.
Genomic context (GRCh38, chr9:98,831,935, plus strand): 5'-TTCGACTGGAGGCTGGTGTTCACGTGGCACACAGTTCCTGAGAGGGAGAGGATACGGATG[C>T]AATCCCCCGTCGATGTCATCAGGTCAGGAGCTGACTTCTGGGTGACTTGTTTTTTAAGCA-3'

ClinVar aggregate classification (germline): Uncertain significance. Review status: criteria provided, multiple submitters, no conflicts (2 of 4 stars). 4 submissions from 4 submitters: Uncertain significance (4). Last evaluated 2025-01-16.

Conditions:
Colorectal cancer, susceptibility to, 1. Also called: COLORECTAL ADENOMA AND CANCER, SUSCEPTIBILITY TO; COLORECTAL CANCER, SUSCEPTIBILITY TO, ON CHROMOSOME 9. Identifiers: MedGen C1837315, MONDO:0012132, OMIM 608812.

Allele frequency attached by ClinVar (database versions not stated): gnomAD exomes 0.00002; ExAC 0.00003; ESP Exome Variant Server 0.00008; gnomAD 0.00008 and 0.00009; TOPMed 0.00011.
gnomAD v4.1: 22 of 1,613,840 alleles (0.0014%); highest among the groups gnomAD compares: African/African-American, 0.029%; no homozygotes.

Submissions (4):

Quest Diagnostics Nichols Institute San Juan Capistrano
Classification: Uncertain significance. Last evaluated: 2025-01-16. Review status: criteria provided, single submitter. Criteria: Quest Diagnostics criteria. Collection method: clinical testing. Allele origin: unknown.
Comment: The GALNT12 c.895C>T (p.Gln299*) variant is predicted to cause the premature termination of GALNT12 protein synthesis. However, a loss of function has not been established as a disease mechanism for GALNT12-associated cancers. To the best of our knowledge, this variant has not been reported in the published literature. The frequency of this variant in the general population (Genome Aggregation Database) is higher than would generally be expected for pathogenic variants in this gene. Based on the available information, we are unable to determine the clinical significance of this variant.

Baylor Genetics
Classification: Uncertain significance for Colorectal cancer, susceptibility to, 1. Last evaluated: 2024-01-27. Review status: criteria provided, single submitter. Criteria: ACMG Guidelines, 2015. Collection method: clinical testing. Allele origin: unknown.

Ambry Genetics
Classification: Uncertain significance. Last evaluated: 2023-09-05. Review status: criteria provided, single submitter. Criteria: Ambry Variant Classification Scheme 2023. Collection method: clinical testing. Allele origin: germline.
Comment: The p.Q299* variant (also known as c.895C>T), located in coding exon 4 of the GALNT12 gene, results from a C to T substitution at nucleotide position 895. This changes the amino acid from a glutamine to a stop codon within coding exon 4. This alteration is expected to result in loss of function by premature protein truncation or nonsense-mediated mRNA decay. The evidence for this gene-disease relationship is limited; therefore, the clinical significance of this alteration is unclear.

Labcorp Genetics (formerly Invitae), Labcorp
Classification: Uncertain significance. Last evaluated: 2022-01-12. Review status: criteria provided, single submitter. Criteria: Invitae Variant Classification Sherloc (09022015). Collection method: clinical testing. Allele origin: germline.
Comment: This sequence change creates a premature translational stop signal (p.Gln299*) in the GALNT12 gene. It is expected to result in an absent or disrupted protein product. However, the current clinical and genetic evidence is not sufficient to establish whether loss-of-function variants in GALNT12 cause disease. In summary, the available evidence is currently insufficient to determine the role of this variant in disease. Therefore, it has been classified as a Variant of Uncertain Significance. ClinVar contains an entry for this variant (Variation ID: 822841). This variant has not been reported in the literature in individuals affected with GALNT12-related conditions. This variant is present in population databases (rs145557511, gnomAD 0.03%).